The following is an entry in ClinVar:

ClinVar aggregate classification (germline): Uncertain significance (1 of 4 stars; one submission).

Submission:

GeneDx
Classification: Uncertain significance. Last evaluated: 2023-04-20. Review status: criteria provided, single submitter. Criteria: GeneDx Variant Classification Process June 2021. Collection method: clinical testing. Allele origin: germline. Affected: yes.
Comment: Not observed at significant frequency in large population cohorts (gnomAD); Missense variants in this gene are often considered pathogenic (HGMD); In silico analysis supports that this missense variant has a deleterious effect on protein structure/function; Has not been previously published as pathogenic or benign to our knowledge; This substitution is predicted to be in the cytoplasmic loop between the second and third homologous domains

NM_001040142.2(SCN2A):c.3158T>C (p.Ile1053Thr)

Gene: SCN2A (sodium voltage-gated channel alpha subunit 2; plus strand). Cytogenetic location: 2q24.3.
Variant type: single nucleotide variant.
Coding change: c.3158T>C on transcript NM_001040142.2 (MANE Select); coding-DNA position 3158, T replaced by C.
Protein change: p.Ile1053Thr; replaces isoleucine 1053 with threonine.
Molecular consequence: missense variant.
Genome position (GRCh38, 1-based): chr2:165,354,430, T>C. VCF-style: chr2-165354430-T-C. GRCh37 (hg19) VCF-style: chr2-166210940-T-C.
Other names: c.3158T>C, p.Ile1053Thr (NM_001040143.2, NM_001371246.1, NM_001371247.1 and 1 more transcripts); short protein forms I1053T.
Identifiers: ClinVar variation 3252932 (VCV003252932.1), dbSNP rs2468036192.